The following is an entry in ClinVar:

ClinVar aggregate classification (germline): Uncertain significance (1 of 4 stars; one submission).

Conditions:
Immunodeficiency, common variable, 10. Also called: DEFICIT IN ANTERIOR PITUITARY FUNCTION AND VARIABLE IMMUNODEFICIENCY; IMMUNODEFICIENCY, COMMON VARIABLE, WITH CENTRAL ADRENAL INSUFFICIENCY. Identifiers: MedGen C3809991, MONDO:0014260, OMIM 615577.

Allele frequency attached by ClinVar (database versions not stated): TOPMed below 0.00001.

Submission:

Labcorp Genetics (formerly Invitae), Labcorp
Classification: Uncertain significance for Immunodeficiency, common variable, 10. Last evaluated: 2023-09-27. Review status: criteria provided, single submitter. Criteria: Invitae Variant Classification Sherloc (09022015). Collection method: clinical testing. Allele origin: germline.
Comment: In summary, the available evidence is currently insufficient to determine the role of this variant in disease. Therefore, it has been classified as a Variant of Uncertain Significance. Variants that disrupt the consensus splice site are a relatively common cause of aberrant splicing (PMID: 17576681, 9536098). Algorithms developed to predict the effect of sequence changes on RNA splicing suggest that this variant may disrupt the consensus splice site. This variant has not been reported in the literature in individuals affected with NFKB2-related conditions. This variant is present in population databases (no rsID available, gnomAD 0.0009%). This sequence change falls in intron 11 of the NFKB2 gene. It does not directly change the encoded amino acid sequence of the NFKB2 protein. It affects a nucleotide within the consensus splice site.

Literature cited by the submitters: PubMed 17576681; PubMed 9536098.

NM_001322934.2(NFKB2):c.991+4G>A

Gene: NFKB2 (nuclear factor kappa B subunit 2; plus strand). Cytogenetic location: 10q24.32.
Variant type: single nucleotide variant.
Coding change: c.991+4G>A on transcript NM_001322934.2 (MANE Select); 4 bases into the intron after coding-DNA position 991, G replaced by A.
Molecular consequence: intron variant.
Genome position (GRCh38, 1-based): chr10:102,398,527, G>A. VCF-style: chr10-102398527-G-A. GRCh37 (hg19) VCF-style: chr10-104158284-G-A.
Other names: c.991+4G>A (NM_001261403.3, NM_002502.6, NM_001288724.1 and 2 more transcripts).
Identifiers: ClinVar variation 2800202 (VCV002800202.3), dbSNP rs1334865053, ClinGen allele CA595635965.